The following is an entry in ClinVar:

ClinVar aggregate classification (germline): Pathogenic (1 of 4 stars; one submission).

Conditions:
Neurofibromatosis, type 1 (NF1). Also called: NEUROFIBROMATOSIS, TYPE I, SOMATIC; VON RECKLINGHAUSEN DISEASE; Peripheral type neurofibromatosis; Neurofibromatosis, type I. Identifiers: Orphanet 636, MedGen C0027831, MONDO:0018975, OMIM 162200. Disease mechanism: loss of function.

Submission:

Labcorp Genetics (formerly Invitae), Labcorp
Classification: Pathogenic for Neurofibromatosis, type 1. Last evaluated: 2016-01-21. Review status: criteria provided, single submitter. Criteria: Invitae Variant Classification Sherloc (09022015). Collection method: clinical testing. Allele origin: germline.
Comment: This sequence change inserts 568 nucleotides in exon 2 of the NF1 mRNA (c.129_130ins568), causing a frameshift at codon 44. This creates a premature translational stop signal (p.Ile44Glyfs*27) and is expected to result in an absent or disrupted protein product. While this particular variant has not been reported in the literature, truncating variants in NF1 are known to be pathogenic (PMID: 10712197, 23913538). For these reasons, this variant has been classified as Pathogenic.

NM_000267.3(NF1):c.129_130ins568 (p.?)

Gene: NF1 (neurofibromin 1; plus strand). Cytogenetic location: 17q11.2.
Variant type: Insertion.
Coding change: c.129_130ins568 on transcript NM_000267.3; coding-DNA positions 129 to 130, an insertion.
Protein change: p.?.
Identifiers: ClinVar variation 254097 (VCV000254097.1).